The following is an entry in ClinVar:

NM_004974.4(KCNA2):c.1435_1439delinsCTGTTTT (p.Thr479fs)

Gene: KCNA2 (potassium voltage-gated channel subfamily A member 2; minus strand). Cytogenetic location: 1p13.3.
Variant type: Indel.
Coding change: c.1435_1439delinsCTGTTTT on transcript NM_004974.4 (MANE Select); coding-DNA positions 1435 to 1439, ACAGC replaced by CTGTTTT.
Protein change: p.Thr479fs; shifts the reading frame from threonine 479.
Molecular consequence: frameshift variant. On other transcripts: intron variant (1).
Genome position (GRCh38, 1-based): chr1:110,603,344-110,603,348, GCTGT replaced by AAAACAG on the plus strand (ACAGC replaced by CTGTTTT on the coding strand, the reverse complement: KCNA2 is on the minus strand). VCF-style: chr1-110603344-GCTGT-AAAACAG. GRCh37 (hg19) VCF-style: chr1-111145966-GCTGT-AAAACAG.
Other names: c.894+541_894+545delinsCTGTTTT (NM_001204269.2); short protein forms T479fs.
Identifiers: ClinVar variation 2500397 (VCV002500397.1), dbSNP rs2524614668, ClinGen allele CA2580060798.

ClinVar aggregate classification (germline): Uncertain significance (1 of 4 stars; one submission).

Submission:

GeneDx
Classification: Uncertain significance. Last evaluated: 2022-10-24. Review status: criteria provided, single submitter. Criteria: GeneDx Variant Classification Process June 2021. Collection method: clinical testing. Allele origin: germline. Affected: yes.
Comment: Not observed at significant frequency in large population cohorts (gnomAD); Has not been previously published as pathogenic or benign to our knowledge; Frameshift variant predicted to result in protein truncation, as the last 21 amino acids are replaced with 12 different amino acids